The following is an entry in ClinVar:

ClinVar aggregate classification (germline): Pathogenic. Review status: criteria provided, single submitter (1 of 4 stars). 2 submissions from 2 submitters: Pathogenic (1). 1 of the submissions does not count toward it. Last evaluated 2021-04-21.

Conditions:
Alkaptonuria (AKU). Also called: Alkaptonuric ochronosis; Alcaptonuria; Homogentisic acidura; HOMOGENTISIC ACID OXIDASE DEFICIENCY. Identifiers: Orphanet 56, MedGen C0002066, MONDO:0008753, OMIM 203500.

Allele frequency attached by ClinVar (database versions not stated): gnomAD exomes below 0.00001.
gnomAD v4.1: 2 of 1,613,878 alleles (0.00012%); highest among the groups gnomAD compares: Non-Finnish European, 0.00017%; no homozygotes.

Submissions (2):

Labcorp Genetics (formerly Invitae), Labcorp
Classification: Pathogenic for Alkaptonuria. Last evaluated: 2021-04-21. Review status: criteria provided, single submitter. Criteria: Invitae Variant Classification Sherloc (09022015). Collection method: clinical testing. Allele origin: germline.
Comment: For these reasons, this variant has been classified as Pathogenic. Donor and acceptor splice site variants typically lead to a loss of protein function (PMID: 16199547), and loss-of-function variants in HGD are known to be pathogenic (PMID: 12501223, 19862842). Algorithms developed to predict the effect of sequence changes on RNA splicing suggest that this variant may disrupt the consensus splice site, but this prediction has not been confirmed by published transcriptional studies. This variant has been observed in individual(s) with alkaptonuria (PMID: 19862842). This variant is not present in population databases (ExAC no frequency). This sequence change affects a donor splice site in intron 12 of the HGD gene. It is expected to disrupt RNA splicing and likely results in an absent or disrupted protein product.

Department Of Human Genetics, Institute Of Clinical And Translational Research, Biomedical Research Center, Slovak Academy Of Sciences
Classification: Pathogenic for Alkaptonuria. Review status: no assertion criteria provided. Collection method: research. Allele origin: germline. Inheritance: Autosomal recessive inheritance. Affected: yes. Observed: 1 variant allele. Not counted in ClinVar's aggregate classification.
Comment: The variant was originally described in AKU patient in PMID:19862842. It has been submitted to the HGD gene mutation database (DB-ID: AKU_00089).

Literature cited by the submitters: PubMed 16199547 (cited by Labcorp Genetics (formerly Invitae), Labcorp); PubMed 12501223 (cited by Labcorp Genetics (formerly Invitae), Labcorp); PubMed 19862842 (cited by Labcorp Genetics (formerly Invitae), Labcorp and Department Of Human Genetics, Institute Of Clinical And Translational Research, Biomedical Research Center, Slovak Academy Of Sciences).

NM_000187.4(HGD):c.1006+2T>A

Gene: HGD (homogentisate 1,2-dioxygenase; minus strand). Cytogenetic location: 3q13.33.
Variant type: single nucleotide variant.
Coding change: c.1006+2T>A on transcript NM_000187.4 (MANE Select); the canonical splice donor site of the intron after coding-DNA position 1006, T replaced by A.
Molecular consequence: splice donor variant.
Genome position (GRCh38, 1-based): chr3:120,638,453, A>T on the plus strand (T>A on the coding strand, the complement: HGD is on the minus strand). VCF-style: chr3-120638453-A-T. GRCh37 (hg19) VCF-style: chr3-120357300-A-T.
Identifiers: ClinVar variation 1069590 (VCV001069590.10), dbSNP rs1320184173, ClinGen allele CA354073259.